The following is an entry in ClinVar:

ClinVar aggregate classification (germline): Likely benign (0 of 4 stars; one submission).

Conditions:
COG7-related disorder. Also called: COG7-related condition.

Submission:

PreventionGenetics, part of Exact Sciences
Classification: Likely benign for COG7-related condition. Last evaluated: 2020-01-03. Review status: no assertion criteria provided. Collection method: clinical testing. Allele origin: germline.
Comment: This variant is classified as likely benign based on ACMG/AMP sequence variant interpretation guidelines (Richards et al. 2015 PMID: 25741868, with internal and published modifications).

NM_153603.4(COG7):c.170-12_170-9del

Gene: COG7 (component of oligomeric golgi complex 7; minus strand). Cytogenetic location: 16p12.2.
Variant type: Deletion.
Coding change: c.170-12_170-9del on transcript NM_153603.4 (MANE Select); 12 bases into the intron before coding-DNA position 170 through 9 bases into the intron before coding-DNA position 170, 4 bases deleted (TTTT; older notation c.170-12_170-9delTTTT).
Molecular consequence: intron variant.
Genome position (GRCh38, 1-based): chr16:23,445,970-23,445,973, AAAA deleted on the plus strand (TTTT on the coding strand, the reverse complement: COG7 is on the minus strand); deleting any 4 consecutive bases within chr16:23,445,970-23,445,986 gives the same sequence; the c. name uses the placement nearest the transcript's 3' end. VCF-style (leftmost placement, unchanged base first): chr16-23445969-TAAAA-T. GRCh37 (hg19) VCF-style: chr16-23457290-TAAAA-T.
Identifiers: ClinVar variation 3040291 (VCV003040291.2), dbSNP rs71379679, ClinGen allele CA7961368.